The following is an entry in ClinVar:

NM_000301.5(PLG):c.1588-1G>C

Gene: PLG (plasminogen; plus strand). Cytogenetic location: 6q26.
Variant type: single nucleotide variant.
Coding change: c.1588-1G>C on transcript NM_000301.5 (MANE Select); the canonical splice acceptor site of the intron before coding-DNA position 1588, G replaced by C.
Molecular consequence: splice acceptor variant.
Genome position (GRCh38, 1-based): chr6:160,733,994, G>C. VCF-style: chr6-160733994-G-C. GRCh37 (hg19) VCF-style: chr6-161155026-G-C.
Identifiers: ClinVar variation 4734295 (VCV004734295.1).

ClinVar aggregate classification (germline): Likely pathogenic (1 of 4 stars; one submission).

Submission:

Labcorp Genetics (formerly Invitae), Labcorp
Classification: Likely pathogenic. Last evaluated: 2026-01-04. Review status: criteria provided, single submitter. Criteria: Invitae Variant Classification Sherloc (09022015). Collection method: clinical testing. Allele origin: germline.
Comment: This sequence change affects an acceptor splice site in intron 12 of the PLG gene. It is expected to disrupt RNA splicing. Variants that disrupt the donor or acceptor splice site typically lead to a loss of protein function (PMID: 16199547), and loss-of-function variants in PLG are known to be pathogenic (PMID: 16849641). This variant is not present in population databases (gnomAD no frequency). Disruption of this splice site has been observed in individual(s) with PLG-related conditions (PMID: 27193180). Algorithms developed to predict the effect of sequence changes on RNA splicing suggest that this variant may disrupt the consensus splice site. In summary, the currently available evidence indicates that the variant is pathogenic, but additional data are needed to prove that conclusively. Therefore, this variant has been classified as Likely Pathogenic.

Literature cited by the submitters: PubMed 16199547; PubMed 16849641; PubMed 27193180.